The following is an entry in ClinVar:

NM_001743.6(CALM2):c.311C>T (p.Ala104Val)

Gene: CALM2 (calmodulin 2; minus strand). Cytogenetic location: 2p21.
Variant type: single nucleotide variant.
Coding change: c.311C>T on transcript NM_001743.6 (MANE Select); coding-DNA position 311, C replaced by T.
Protein change: p.Ala104Val; replaces alanine 104 with valine.
Molecular consequence: missense variant.
Genome position (GRCh38, 1-based): chr2:47,161,833, G>A on the plus strand (C>T on the coding strand, the complement: CALM2 is on the minus strand). VCF-style: chr2-47161833-G-A. GRCh37 (hg19) VCF-style: chr2-47388972-G-A.
Other names: c.455C>T, p.Ala152Val (NM_001305624.1); c.203C>T, p.Ala68Val (NM_001305625.2, NM_001305626.1); short protein forms A104V, A68V, A152V.
Identifiers: ClinVar variation 1727839 (VCV001727839.2), dbSNP rs11551437, ClinGen allele CA46690850.

ClinVar aggregate classification (germline): Uncertain significance (1 of 4 stars; one submission).

Conditions:
Cardiovascular phenotype. Identifiers: MedGen CN230736.

Allele frequency attached by ClinVar (database versions not stated): gnomAD exomes below 0.00001.
gnomAD v4.1: 1 of 1,612,674 alleles (0.000062%); highest among the groups gnomAD compares: Non-Finnish European, 0.000085%; no homozygotes.

Submission:

Ambry Genetics
Classification: Uncertain significance for Cardiovascular phenotype. Last evaluated: 2022-02-10. Review status: criteria provided, single submitter. Criteria: Ambry Variant Classification Scheme 2023. Collection method: clinical testing. Allele origin: germline.
Comment: The p.A104V variant (also known as c.311C>T), located in coding exon 5 of the CALM2 gene, results from a C to T substitution at nucleotide position 311. The alanine at codon 104 is replaced by valine, an amino acid with similar properties. This amino acid position is conserved. In addition, the in silico prediction for this alteration is inconclusive. Since supporting evidence is limited at this time, the clinical significance of this alteration remains unclear.